The following is an entry in ClinVar:

ClinVar aggregate classification (germline): Pathogenic (1 of 4 stars; one submission).

Submission:

Labcorp Genetics (formerly Invitae), Labcorp
Classification: Pathogenic. Last evaluated: 2026-01-05. Review status: criteria provided, single submitter. Criteria: Invitae Variant Classification Sherloc (09022015). Collection method: clinical testing. Allele origin: germline.
Comment: This sequence change creates a premature translational stop signal (p.Ala204Profs*81) in the GTPBP3 gene. It is expected to result in an absent or disrupted protein product. Loss-of-function variants in GTPBP3 are known to be pathogenic (PMID: 25434004). This variant is present in population databases (no rsID available, gnomAD 0.007%). This variant has not been reported in the literature in individuals affected with GTPBP3-related conditions. ClinVar contains an entry for this variant (Variation ID: 2878319). For these reasons, this variant has been classified as Pathogenic.

Literature cited by the submitters: PubMed 25434004.

NM_032620.4(GTPBP3):c.610del (p.Ala204fs)

Gene: GTPBP3 (GTP binding protein 3, mitochondrial; plus strand). Cytogenetic location: 19p13.11.
Variant type: Deletion.
Coding change: c.610del on transcript NM_032620.4 (MANE Select); coding-DNA position 610, one base deleted (G; older notation c.610delG).
Protein change: p.Ala204fs; shifts the reading frame from alanine 204.
Molecular consequence: frameshift variant.
Genome position (GRCh38, 1-based): chr19:17,338,972, G deleted; the last of 2 consecutive G bases (chr19:17,338,971-17,338,972); deleting either gives the same sequence. VCF-style (leftmost placement, unchanged base first): chr19-17338970-AG-A. GRCh37 (hg19) VCF-style: chr19-17449779-AG-A.
Other names: c.610del, p.Ala204fs (NM_001128855.3, NM_133644.4); c.676del, p.Ala226fs (NM_001195422.1); short protein forms A204fs, A226fs.
Identifiers: ClinVar variation 2878319 (VCV002878319.3), dbSNP rs866069044, ClinGen allele CA306062206.
Genomic context (GRCh38, chr19:17,338,970, plus strand): 5'-GTTTCTGGGTGCACACACCACCTCTGCTCTCCCTGCCCCGCCAGGCTCTGGCCCACGTGG[AG>A]GCCTATATCGATTTCGGCGAGGATGACAACCTGGAGGAGGGGGTCCTGGAGCAAGGTGGG-3'